The following is an entry in ClinVar:

ClinVar aggregate classification (germline): Uncertain significance (1 of 4 stars; one submission).

Submission:

GeneDx
Classification: Uncertain significance. Last evaluated: 2019-08-19. Review status: criteria provided, single submitter. Criteria: GeneDx Variant Classification Process June 2021. Collection method: clinical testing. Allele origin: germline. Affected: yes.
Comment: Not observed in large population cohorts (Lek et al., 2016); In silico analysis, which includes protein predictors and evolutionary conservation, supports a deleterious effect; Has not been previously published as pathogenic or benign to our knowledge

NM_015192.4(PLCB1):c.3029A>C (p.Asp1010Ala)

Gene: PLCB1 (phospholipase C beta 1; plus strand). Cytogenetic location: 20p12.3.
Variant type: single nucleotide variant.
Coding change: c.3029A>C on transcript NM_015192.4 (MANE Select); coding-DNA position 3029, A replaced by C.
Protein change: p.Asp1010Ala; replaces aspartic acid 1010 with alanine.
Molecular consequence: missense variant.
Genome position (GRCh38, 1-based): chr20:8,774,637, A>C. VCF-style: chr20-8774637-A-C. GRCh37 (hg19) VCF-style: chr20-8755284-A-C.
Other names: c.3029A>C, p.Asp1010Ala (NM_182734.3); short protein forms D1010A.
Identifiers: ClinVar variation 1307840 (VCV001307840.2), dbSNP rs2146203884, ClinGen allele CA408209218.